The following is an entry in ClinVar:

ClinVar aggregate classification (germline): Uncertain significance (1 of 4 stars; one submission).

Conditions:
Hereditary cancer-predisposing syndrome. Also called: Neoplastic Syndromes, Hereditary; Tumor predisposition; Hereditary neoplastic syndrome; Hereditary Cancer Syndrome. Identifiers: Orphanet 140162, MedGen C0027672, MeSH D009386, MONDO:0015356.

Allele frequency attached by ClinVar (database versions not stated): gnomAD exomes below 0.00001; ExAC 0.00001.
gnomAD v4.1: 2 of 1,612,580 alleles (0.00012%); highest among the groups gnomAD compares: African/African-American, 0.0013%; no homozygotes.

Submission:

Ambry Genetics
Classification: Uncertain significance for Hereditary cancer-predisposing syndrome. Last evaluated: 2024-02-01. Review status: criteria provided, single submitter. Criteria: Ambry Variant Classification Scheme 2023. Collection method: clinical testing. Allele origin: germline.
Comment: The p.V154I variant (also known as c.460G>A), located in coding exon 5 of the FANCC gene, results from a G to A substitution at nucleotide position 460. The valine at codon 154 is replaced by isoleucine, an amino acid with highly similar properties. This amino acid position is conserved. In addition, this alteration is predicted to be tolerated by in silico analysis. Based on the available evidence, the clinical significance of this alteration remains unclear.

NM_000136.3(FANCC):c.460G>A (p.Val154Ile)

Gene: FANCC (FA complementation group C; minus strand). Cytogenetic location: 9q22.32.
Variant type: single nucleotide variant.
Coding change: c.460G>A on transcript NM_000136.3 (MANE Select); coding-DNA position 460, G replaced by A.
Protein change: p.Val154Ile; replaces valine 154 with isoleucine.
Molecular consequence: missense variant.
Genome position (GRCh38, 1-based): chr9:95,171,140, C>T on the plus strand (G>A on the coding strand, the complement: FANCC is on the minus strand). VCF-style: chr9-95171140-C-T. GRCh37 (hg19) VCF-style: chr9-97933422-C-T.
Other names: c.460G>A, p.Val154Ile (NM_001243743.2, NM_001243744.2); short protein forms V154I.
Identifiers: ClinVar variation 3230384 (VCV003230384.1), dbSNP rs761396597, ClinGen allele CA5137725.
Genomic context (GRCh38, chr9:95,171,140, plus strand): 5'-GCCTTTGAGTGTTAAATCCATTAAGATGATTCTCTCTGAGTTCAGACGCTAATGATAAAA[C>T]CATCTGTAAAACAAAATCAGTTGCAGGTTAACTCACGCTGCAAACAGGATTACATCAGTT-3'
Protein context (NP_000127.2, residues 144-164): DYYPGLLKNM[Val154Ile]LSLASELREN